The following is an entry in ClinVar:

ClinVar aggregate classification (germline): Conflicting classifications of pathogenicity. Review status: criteria provided, conflicting classifications (1 of 4 stars). 3 submissions from 3 submitters: Uncertain significance (2); Likely benign (1). Last evaluated 2024-05-14.

Conditions:
Congenital muscular hypertrophy-cerebral syndrome (CDLS2). Also called: SMC1A-Related Cornelia de Lange Syndrome; Cornelia de Lange syndrome 2. Identifiers: Orphanet 199, MedGen C1802395, MONDO:0010370, OMIM 300590.
Developmental and epileptic encephalopathy, 85, with or without midline brain defects. Also called: EPILEPTIC ENCEPHALOPATHY, EARLY INFANTILE, 85, WITH OR WITHOUT MIDLINE BRAIN DEFECTS. Identifiers: MedGen C5393312, MONDO:0026771, OMIM 301044.

Allele frequency attached by ClinVar (database versions not stated): TOPMed 0.00008; gnomAD exomes 0.00001; gnomAD 0.00004.
gnomAD v4.1: 7 of 1,209,662 alleles (0.00058%); highest among the groups gnomAD compares: Admixed American, 0.015%; no homozygotes.

Submissions (3):

Fulgent Genetics
Classification: Uncertain significance for Congenital muscular hypertrophy-cerebral syndrome; Developmental and epileptic encephalopathy, 85, with or without midline brain defects. Last evaluated: 2024-05-14. Review status: criteria provided, single submitter. Criteria: ACMG Guidelines, 2015. Collection method: clinical testing. Allele origin: germline.

Labcorp Genetics (formerly Invitae), Labcorp
Classification: Uncertain significance for Congenital muscular hypertrophy-cerebral syndrome. Last evaluated: 2022-04-19. Review status: criteria provided, single submitter. Criteria: Invitae Variant Classification Sherloc (09022015). Collection method: clinical testing. Allele origin: germline.
Comment: In summary, the available evidence is currently insufficient to determine the role of this variant in disease. Therefore, it has been classified as a Variant of Uncertain Significance. Advanced modeling of protein sequence and biophysical properties (such as structural, functional, and spatial information, amino acid conservation, physicochemical variation, residue mobility, and thermodynamic stability) performed at Invitae indicates that this missense variant is not expected to disrupt SMC1A protein function. ClinVar contains an entry for this variant (Variation ID: 1300585). This variant has not been reported in the literature in individuals affected with SMC1A-related conditions. This variant is present in population databases (no rsID available, gnomAD 0.008%). This sequence change replaces alanine, which is neutral and non-polar, with valine, which is neutral and non-polar, at codon 153 of the SMC1A protein (p.Ala153Val).

GeneDx
Classification: Likely benign. Last evaluated: 2022-03-10. Review status: criteria provided, single submitter. Criteria: GeneDx Variant Classification Process June 2021. Collection method: clinical testing. Allele origin: germline. Affected: yes.
Comment: In silico analysis, which includes protein predictors and evolutionary conservation, supports that this variant does not alter protein structure/function; Has not been previously published as pathogenic or benign to our knowledge; This variant is associated with the following publications: (PMID: 24077912, 27535533)

NM_006306.4(SMC1A):c.458C>T (p.Ala153Val)

Gene: SMC1A (structural maintenance of chromosomes 1A; minus strand). Cytogenetic location: Xp11.22.
Variant type: single nucleotide variant.
Coding change: c.458C>T on transcript NM_006306.4 (MANE Select); coding-DNA position 458, C replaced by T.
Protein change: p.Ala153Val; replaces alanine 153 with valine.
Molecular consequence: missense variant.
Genome position (GRCh38, 1-based): chrX:53,413,389, G>A on the plus strand (C>T on the coding strand, the complement: SMC1A is on the minus strand). VCF-style: chrX-53413389-G-A. GRCh37 (hg19) VCF-style: chrX-53440339-G-A.
Other names: c.392C>T, p.Ala131Val (NM_001281463.1); short protein forms A131V, A153V.
Identifiers: ClinVar variation 1300585 (VCV001300585.11), dbSNP rs1171109209, ClinGen allele CA413259490.